The following is an entry in ClinVar:

ClinVar aggregate classification (germline): Conflicting classifications of pathogenicity. Review status: criteria provided, conflicting classifications (1 of 4 stars). 3 submissions from 3 submitters: Uncertain significance (1); Likely benign (2). Last evaluated 2026-03-01.

Conditions:
Inborn genetic diseases. Identifiers: MedGen C0950123, MeSH D030342.

gnomAD v4.1: 23 of 1,613,494 alleles (0.0014%); highest among the groups gnomAD compares: Admixed American, 0.0067%; no homozygotes.

Submissions (3):

CeGaT Center for Human Genetics Tuebingen
Classification: Likely benign. Last evaluated: 2026-03-01. Review status: criteria provided, single submitter. Criteria: CeGaT Center For Human Genetics Tuebingen Variant Classification Criteria Version 2. Collection method: clinical testing. Allele origin: germline. Affected: yes. Observed: 1 variant allele.
Comment: AUTS2: BP4

Women's Health and Genetics/Laboratory Corporation of America, LabCorp
Classification: Uncertain significance. Last evaluated: 2024-11-19. Review status: criteria provided, single submitter. Criteria: LabCorp Variant Classification Summary - May 2015. Collection method: clinical testing. Allele origin: germline.
Comment: Variant summary: AUTS2 c.2305G>A (p.Val769Ile) results in a conservative amino acid change in the encoded protein sequence. Three of five in-silico tools predict a benign effect of the variant on protein function. The variant allele was found at a frequency of 2e-05 in 251476 control chromosomes. The available data on variant occurrences in the general population are insufficient to allow any conclusion about variant significance. To our knowledge, no occurrence of c.2305G>A in individuals affected with Autism Spectrum Disorder Due To AUTS2 Deficiency and no experimental evidence demonstrating its impact on protein function have been reported. ClinVar contains an entry for this variant (Variation ID: 3333686). Based on the evidence outlined above, the variant was classified as uncertain significance.

Ambry Genetics
Classification: Likely benign for Inborn genetic diseases. Last evaluated: 2024-03-19. Review status: criteria provided, single submitter. Criteria: Ambry Variant Classification Scheme 2023. Collection method: clinical testing. Allele origin: germline.

NM_015570.4(AUTS2):c.2305G>A (p.Val769Ile)

Gene: AUTS2 (activator of transcription and developmental regulator AUTS2; plus strand). Cytogenetic location: 7q11.22.
Variant type: single nucleotide variant.
Coding change: c.2305G>A on transcript NM_015570.4 (MANE Select); coding-DNA position 2305, G replaced by A.
Protein change: p.Val769Ile; replaces valine 769 with isoleucine.
Molecular consequence: missense variant.
Genome position (GRCh38, 1-based): chr7:70,786,035, G>A. VCF-style: chr7-70786035-G-A. GRCh37 (hg19) VCF-style: chr7-70251021-G-A.
Other names: c.2233G>A, p.Val745Ile (NM_001127231.3); short protein forms V769I, V745I.
Identifiers: ClinVar variation 3333686 (VCV003333686.6).